The following is an entry in ClinVar:

ClinVar aggregate classification (germline): Uncertain significance (1 of 4 stars; one submission).

Submission:

GeneDx
Classification: Uncertain significance. Last evaluated: 2022-12-20. Review status: criteria provided, single submitter. Criteria: GeneDx Variant Classification Process June 2021. Collection method: clinical testing. Allele origin: germline. Affected: yes.
Comment: Not observed at significant frequency in large population cohorts (gnomAD); In silico analysis supports that this missense variant does not alter protein structure/function; Has not been previously published as pathogenic or benign to our knowledge

NM_015107.3(PHF8):c.2522C>T (p.Ala841Val)

Gene: PHF8 (PHD finger protein 8; minus strand). Cytogenetic location: Xp11.22.
Variant type: single nucleotide variant.
Coding change: c.2522C>T on transcript NM_015107.3 (MANE Select); coding-DNA position 2522, C replaced by T.
Protein change: p.Ala841Val; replaces alanine 841 with valine.
Molecular consequence: missense variant.
Genome position (GRCh38, 1-based): chrX:53,962,861, G>A on the plus strand (C>T on the coding strand, the complement: PHF8 is on the minus strand). VCF-style: chrX-53962861-G-A. GRCh37 (hg19) VCF-style: chrX-53989294-G-A.
Other names: c.2630C>T, p.Ala877Val (NM_001184896.1); c.2219C>T, p.Ala740Val (NM_001184897.2); c.2471C>T, p.Ala824Val (NM_001184898.2); short protein forms A740V, A824V, A841V, A877V.
Identifiers: ClinVar variation 2506809 (VCV002506809.1), dbSNP rs2519404439, ClinGen allele CA413246023.